The following is an entry in ClinVar:

ClinVar aggregate classification (germline): Uncertain significance. Review status: criteria provided, multiple submitters, no conflicts (2 of 4 stars). 3 submissions from 3 submitters: Uncertain significance (3). Last evaluated 2024-01-01.

Conditions:
Glycogen storage disease, type V (GSD5). Also called: MCARDLE DISEASE; MUSCLE GLYCOGEN PHOSPHORYLASE DEFICIENCY; MYOPHOSPHORYLASE DEFICIENCY; PYGM DEFICIENCY; McArdle type glycogen storage disease. Identifiers: Orphanet 368, MedGen C0017924, MONDO:0009293, OMIM 232600.

Allele frequency attached by ClinVar (database versions not stated): ExAC 0.00001; gnomAD 0.00001; gnomAD exomes 0.00001; 1000 Genomes Project 30x 0.00031; 1000 Genomes Project 0.00040.

Submissions (3):

Fulgent Genetics
Classification: Uncertain significance for Glycogen storage disease, type V. Last evaluated: 2024-01-01. Review status: criteria provided, single submitter. Criteria: ACMG Guidelines, 2015. Collection method: clinical testing. Allele origin: germline.

GeneDx
Classification: Uncertain significance. Last evaluated: 2021-02-10. Review status: criteria provided, single submitter. Criteria: GeneDx Variant Classification Process June 2021. Collection method: clinical testing. Allele origin: germline. Affected: yes.
Comment: Not observed at a significant frequency in large population cohorts (Lek et al., 2016); Missense variants in this gene are often considered pathogenic (Stenson et al., 2014); In silico analysis supports that this missense variant does not alter protein structure/function; Has not been previously published as pathogenic or benign to our knowledge

Illumina Laboratory Services, Illumina
Classification: Uncertain significance for Glycogen storage disease, type V. Last evaluated: 2018-01-13. Review status: criteria provided, single submitter. Criteria: ICSL Variant Classification Criteria 13 December 2019. Collection method: clinical testing. Allele origin: germline.

NM_005609.4(PYGM):c.2389G>C (p.Glu797Gln)

Gene: PYGM (glycogen phosphorylase, muscle associated; minus strand). Cytogenetic location: 11q13.1.
Variant type: single nucleotide variant.
Coding change: c.2389G>C on transcript NM_005609.4 (MANE Select); coding-DNA position 2389, G replaced by C.
Protein change: p.Glu797Gln; replaces glutamic acid 797 with glutamine.
Molecular consequence: missense variant.
Genome position (GRCh38, 1-based): chr11:64,746,799, C>G on the plus strand (G>C on the coding strand, the complement: PYGM is on the minus strand). VCF-style: chr11-64746799-C-G. GRCh37 (hg19) VCF-style: chr11-64514271-C-G.
Other names: c.2125G>C, p.Glu709Gln (NM_001164716.1); short protein forms E797Q, E709Q.
Identifiers: ClinVar variation 305266 (VCV000305266.8), dbSNP rs577589879, ClinGen allele CA6079525.
Genomic context (GRCh38, chr11:64,746,799, plus strand): 5'-TGCGGTCACTGGAGAACTTGCCAGAGGTGGCTATGTTCCGGATCACCATCCGCGTCCACT[C>G]TCTTGGGTTCTGCAGGTCAAAGGGAAGCTCTGGTTCACTCTGCTGGCAGGATCTCCACCT-3'
Protein context (NP_005600.1, residues 787-807): KVSALYKNPR[Glu797Gln]WTRMVIRNIA